The following is an entry in ClinVar:

NM_005055.5(RAPSN):c.690+14G>T

Gene: RAPSN (receptor associated protein of the synapse; minus strand). Cytogenetic location: 11p11.2.
Variant type: single nucleotide variant.
Coding change: c.690+14G>T on transcript NM_005055.5 (MANE Select); 14 bases into the intron after coding-DNA position 690, G replaced by T.
Molecular consequence: intron variant.
Genome position (GRCh38, 1-based): chr11:47,442,642, C>A on the plus strand (G>T on the coding strand, the complement: RAPSN is on the minus strand). VCF-style: chr11-47442642-C-A. GRCh37 (hg19) VCF-style: chr11-47464194-C-A.
Other names: c.690+14G>T (NM_032645.5).
Identifiers: ClinVar variation 1511479 (VCV001511479.3), dbSNP rs752360126, ClinGen allele CA5976674.

ClinVar aggregate classification (germline): Uncertain significance (1 of 4 stars; one submission).

Conditions:
Fetal akinesia deformation sequence 1 (FADS1). Also called: Pena-Shokeir syndrome type I; Fetal akinesia sequence. Identifiers: Orphanet 994, MedGen C1276035, MONDO:0100101, OMIM 208150, HP:0001989.
Congenital myasthenic syndrome 11. Also called: MYASTHENIC SYNDROME, CONGENITAL, Ie; Myasthenic syndrome, congenital, 11, associated with acetylcholine receptor deficiency. Identifiers: Orphanet 590, MedGen C4225367, MONDO:0014588, OMIM 616326.

Allele frequency attached by ClinVar (database versions not stated): gnomAD exomes below 0.00001; ExAC 0.00001; gnomAD 0.00001; TOPMed 0.00003.
gnomAD v4.1: 7 of 1,611,278 alleles (0.00043%); highest among the groups gnomAD compares: African/African-American, 0.0093%; no homozygotes.

Submission:

Labcorp Genetics (formerly Invitae), Labcorp
Classification: Uncertain significance for Congenital myasthenic syndrome 11; Fetal akinesia deformation sequence 1. Last evaluated: 2021-10-31. Review status: criteria provided, single submitter. Criteria: Invitae Variant Classification Sherloc (09022015). Collection method: clinical testing. Allele origin: germline.
Comment: This sequence change falls in intron 3 of the RAPSN gene. It does not directly change the encoded amino acid sequence of the RAPSN protein. This variant is present in population databases (rs752360126, gnomAD 0.007%). This variant has not been reported in the literature in individuals affected with RAPSN-related conditions. Algorithms developed to predict the effect of sequence changes on RNA splicing suggest that this variant may create or strengthen a splice site. In summary, the available evidence is currently insufficient to determine the role of this variant in disease. Therefore, it has been classified as a Variant of Uncertain Significance.